The following is an entry in ClinVar:

NM_006612.6(KIF1C):c.1666+5T>C

Gene: KIF1C (kinesin family member 1C; plus strand). Cytogenetic location: 17p13.2.
Variant type: single nucleotide variant.
Coding change: c.1666+5T>C on transcript NM_006612.6 (MANE Select); 5 bases into the intron after coding-DNA position 1666, T replaced by C.
Molecular consequence: intron variant.
Genome position (GRCh38, 1-based): chr17:5,014,842, T>C. VCF-style: chr17-5014842-T-C. GRCh37 (hg19) VCF-style: chr17-4918137-T-C.
Identifiers: ClinVar variation 388469 (VCV000388469.5), dbSNP rs1057523116, ClinGen allele CA16607740.

ClinVar aggregate classification (germline): Conflicting classifications of pathogenicity. Review status: criteria provided, conflicting classifications (1 of 4 stars). 2 submissions from 2 submitters: Uncertain significance (1); Likely benign (1). Last evaluated 2024-12-04.

Conditions:
Spastic ataxia 2. Also called: Ataxia, spastic, 2, autosomal recessive. Identifiers: Orphanet 397946, MedGen C1969796, MONDO:0012651, OMIM 611302.

Allele frequency attached by ClinVar (database versions not stated): gnomAD 0.00001; gnomAD exomes 0.00001; TOPMed 0.00001.
gnomAD v4.1: 7 of 1,579,560 alleles (0.00044%); highest among the groups gnomAD compares: Admixed American, 0.0092%; 1 homozygote.

Submissions (2):

Labcorp Genetics (formerly Invitae), Labcorp
Classification: Uncertain significance for Spastic ataxia 2. Last evaluated: 2024-12-04. Review status: criteria provided, single submitter. Criteria: Invitae Variant Classification Sherloc (09022015). Collection method: clinical testing. Allele origin: germline.
Comment: This sequence change falls in intron 18 of the KIF1C gene. It does not directly change the encoded amino acid sequence of the KIF1C protein. It affects a nucleotide within the consensus splice site. The frequency data for this variant in the population databases is considered unreliable, as metrics indicate poor data quality at this position in the gnomAD database. This variant has not been reported in the literature in individuals affected with KIF1C-related conditions. ClinVar contains an entry for this variant (Variation ID: 388469). Variants that disrupt the consensus splice site are a relatively common cause of aberrant splicing (PMID: 17576681, 9536098). Algorithms developed to predict the effect of sequence changes on RNA splicing suggest that this variant is not likely to affect RNA splicing. In summary, the available evidence is currently insufficient to determine the role of this variant in disease. Therefore, it has been classified as a Variant of Uncertain Significance.

GeneDx
Classification: Likely benign. Last evaluated: 2016-08-10. Review status: criteria provided, single submitter. Criteria: GeneDx Variant Classification (06012015). Collection method: clinical testing. Allele origin: germline. Affected: yes.
Comment: This variant is considered likely benign or benign based on one or more of the following criteria: it is a conservative change, it occurs at a poorly conserved position in the protein, it is predicted to be benign by multiple in silico algorithms, and/or has population frequency not consistent with disease.

Literature cited by the submitters: PubMed 17576681 (cited by Labcorp Genetics (formerly Invitae), Labcorp); PubMed 9536098 (cited by Labcorp Genetics (formerly Invitae), Labcorp).